The following is an entry in ClinVar:

ClinVar aggregate classification (germline): Uncertain significance (1 of 4 stars; one submission).

Conditions:
Neurofibromatosis, type 1 (NF1). Also called: VON RECKLINGHAUSEN DISEASE; Peripheral type neurofibromatosis; NEUROFIBROMATOSIS, TYPE I, SOMATIC; Neurofibromatosis, type I. Identifiers: Orphanet 636, MedGen C0027831, MONDO:0018975, OMIM 162200. Disease mechanism: loss of function.

Submission:

Labcorp Genetics (formerly Invitae), Labcorp
Classification: Uncertain significance for Neurofibromatosis, type 1. Last evaluated: 2024-06-18. Review status: criteria provided, single submitter. Criteria: Invitae Variant Classification Sherloc (09022015). Collection method: clinical testing. Allele origin: germline.
Comment: This sequence change replaces glycine, which is neutral and non-polar, with arginine, which is basic and polar, at codon 515 of the NF1 protein (p.Gly515Arg). This variant is not present in population databases (gnomAD no frequency). This variant has not been reported in the literature in individuals affected with NF1-related conditions. Advanced modeling of protein sequence and biophysical properties (such as structural, functional, and spatial information, amino acid conservation, physicochemical variation, residue mobility, and thermodynamic stability) has been performed at Invitae for this missense variant, however the output from this modeling did not meet the statistical confidence thresholds required to predict the impact of this variant on NF1 protein function. In summary, the available evidence is currently insufficient to determine the role of this variant in disease. Therefore, it has been classified as a Variant of Uncertain Significance.

NM_001042492.3(NF1):c.1543G>C (p.Gly515Arg)

Gene: NF1 (neurofibromin 1; plus strand). Cytogenetic location: 17q11.2.
Variant type: single nucleotide variant.
Coding change: c.1543G>C on transcript NM_001042492.3 (MANE Select); coding-DNA position 1543, G replaced by C.
Protein change: p.Gly515Arg; replaces glycine 515 with arginine.
Molecular consequence: missense variant.
Genome position (GRCh38, 1-based): chr17:31,219,020, G>C. VCF-style: chr17-31219020-G-C. GRCh37 (hg19) VCF-style: chr17-29546038-G-C.
Other names: c.1543G>C, p.Gly515Arg (NM_000267.4, NM_001128147.3); short protein forms G515R.
Identifiers: ClinVar variation 3634500 (VCV003634500.2).